The following is an entry in ClinVar:

ClinVar aggregate classification (germline): Uncertain significance (1 of 4 stars; one submission).

Conditions:
Cardiovascular phenotype. Identifiers: MedGen CN230736.

Allele frequency attached by ClinVar (database versions not stated): TOPMed 0.00001; ExAC 0.00001.
gnomAD v4.1: 6 of 1,614,252 alleles (0.00037%); highest among the groups gnomAD compares: Admixed American, 0.0017%; no homozygotes.

Submission:

Ambry Genetics
Classification: Uncertain significance for Cardiovascular phenotype. Last evaluated: 2026-07-31. Review status: criteria provided, single submitter. Criteria: Ambry Variant Classification Scheme 2023. Collection method: clinical testing. Allele origin: germline.
Comment: The p.R145T variant (also known as c.434G>C), located in coding exon 4 of the ABCG8 gene, results from a G to C substitution at nucleotide position 434. The arginine at codon 145 is replaced by threonine, an amino acid with similar properties. This amino acid position is conserved. In addition, this alteration is predicted to be tolerated by in silico analysis. Based on the available evidence, the clinical significance of this variant remains unclear.

NM_022437.3(ABCG8):c.434G>C (p.Arg145Thr)

Gene: ABCG8 (ATP binding cassette subfamily G member 8; plus strand). Cytogenetic location: 2p21.
Variant type: single nucleotide variant.
Coding change: c.434G>C on transcript NM_022437.3 (MANE Select); coding-DNA position 434, G replaced by C.
Protein change: p.Arg145Thr; replaces arginine 145 with threonine.
Molecular consequence: missense variant.
Genome position (GRCh38, 1-based): chr2:43,851,695, G>C. VCF-style: chr2-43851695-G-C. GRCh37 (hg19) VCF-style: chr2-44078834-G-C.
Other names: c.434G>C, p.Arg145Thr (NM_001357321.2); short protein forms R145T.
Identifiers: ClinVar variation 2359862 (VCV002359862.3), dbSNP rs749410145, ClinGen allele CA1637015.